The following is an entry in ClinVar:

NM_138927.4(SON):c.3943A>G (p.Met1315Val)

Gene: SON (SON DNA and RNA binding protein; plus strand). Cytogenetic location: 21q22.11.
Variant type: single nucleotide variant.
Coding change: c.3943A>G on transcript NM_138927.4 (MANE Select); coding-DNA position 3943, A replaced by G.
Protein change: p.Met1315Val; replaces methionine 1315 with valine.
Molecular consequence: missense variant. On other transcripts: non-coding transcript variant (1), intron variant (1).
Genome position (GRCh38, 1-based): chr21:33,553,174, A>G. VCF-style: chr21-33553174-A-G. GRCh37 (hg19) VCF-style: chr21-34925480-A-G.
Other names: c.3943A>G, p.Met1315Val (NM_001291411.2, NM_032195.3); c.245-3982A>G (NM_001291412.3); short protein forms M1315V.
Identifiers: ClinVar variation 3611790 (VCV003611790.2).

ClinVar aggregate classification (germline): Uncertain significance (1 of 4 stars; one submission).

Submission:

Labcorp Genetics (formerly Invitae), Labcorp
Classification: Uncertain significance. Last evaluated: 2024-06-04. Review status: criteria provided, single submitter. Criteria: Invitae Variant Classification Sherloc (09022015). Collection method: clinical testing. Allele origin: germline.
Comment: This sequence change replaces methionine, which is neutral and non-polar, with valine, which is neutral and non-polar, at codon 1315 of the SON protein (p.Met1315Val). This variant is not present in population databases (gnomAD no frequency). This variant has not been reported in the literature in individuals affected with SON-related conditions. Algorithms developed to predict the effect of missense changes on protein structure and function output the following: SIFT: "Not Available"; PolyPhen-2: "Benign"; Align-GVGD: "Not Available". The valine amino acid residue is found in multiple mammalian species, which suggests that this missense change does not adversely affect protein function. In summary, the available evidence is currently insufficient to determine the role of this variant in disease. Therefore, it has been classified as a Variant of Uncertain Significance.